The following is an entry in ClinVar:

NM_014055.4(IFT81):c.1276G>C (p.Gly426Arg)

Gene: IFT81 (intraflagellar transport 81; plus strand). Cytogenetic location: 12q24.11.
Variant type: single nucleotide variant.
Coding change: c.1276G>C on transcript NM_014055.4 (MANE Select); coding-DNA position 1276, G replaced by C.
Protein change: p.Gly426Arg; replaces glycine 426 with arginine.
Molecular consequence: missense variant. On other transcripts: non-coding transcript variant (4).
Genome position (GRCh38, 1-based): chr12:110,180,509, G>C. VCF-style: chr12-110180509-G-C. GRCh37 (hg19) VCF-style: chr12-110618314-G-C.
Other names: c.1276G>C, p.Gly426Arg (NM_001143779.2); c.346G>C, p.Gly116Arg (NM_001347947.2, NM_001347948.2); short protein forms G116R, G426R.
Identifiers: ClinVar variation 1426568 (VCV001426568.8), dbSNP rs767006354, ClinGen allele CA386916871.

ClinVar aggregate classification (germline): Uncertain significance (1 of 4 stars; one submission).

Submission:

Labcorp Genetics (formerly Invitae), Labcorp
Classification: Uncertain significance. Last evaluated: 2022-03-19. Review status: criteria provided, single submitter. Criteria: Invitae Variant Classification Sherloc (09022015). Collection method: clinical testing. Allele origin: germline.
Comment: In summary, the available evidence is currently insufficient to determine the role of this variant in disease. Therefore, it has been classified as a Variant of Uncertain Significance. Algorithms developed to predict the effect of missense changes on protein structure and function are either unavailable or do not agree on the potential impact of this missense change (SIFT: "Deleterious"; PolyPhen-2: "Probably Damaging"; Align-GVGD: "Class C15"). This variant has not been reported in the literature in individuals affected with IFT81-related conditions. This variant is not present in population databases (gnomAD no frequency). This sequence change replaces glycine, which is neutral and non-polar, with arginine, which is basic and polar, at codon 426 of the IFT81 protein (p.Gly426Arg).